The following is an entry in ClinVar:

NM_173076.3(ABCA12):c.2035C>T (p.Gln679Ter)

Gene: ABCA12 (ATP binding cassette subfamily A member 12; minus strand). Cytogenetic location: 2q35.
Variant type: single nucleotide variant.
Coding change: c.2035C>T on transcript NM_173076.3 (MANE Select); coding-DNA position 2035, C replaced by T.
Protein change: p.Gln679Ter; replaces glutamine 679 with a stop codon.
Molecular consequence: nonsense. On other transcripts: non-coding transcript variant (1).
Genome position (GRCh38, 1-based): chr2:215,012,057, G>A on the plus strand (C>T on the coding strand, the complement: ABCA12 is on the minus strand). VCF-style: chr2-215012057-G-A. GRCh37 (hg19) VCF-style: chr2-215876781-G-A.
Other names: c.1081C>T, p.Gln361Ter (NM_015657.4); short protein forms Q361*, Q679*.
Identifiers: ClinVar variation 2833432 (VCV002833432.3), dbSNP rs2469318259, ClinGen allele CA350484730.

ClinVar aggregate classification (germline): Pathogenic (1 of 4 stars; one submission).

Submission:

Labcorp Genetics (formerly Invitae), Labcorp
Classification: Pathogenic. Last evaluated: 2023-02-01. Review status: criteria provided, single submitter. Criteria: Invitae Variant Classification Sherloc (09022015). Collection method: clinical testing. Allele origin: germline.
Comment: This sequence change creates a premature translational stop signal (p.Gln679*) in the ABCA12 gene. It is expected to result in an absent or disrupted protein product. Loss-of-function variants in ABCA12 are known to be pathogenic (PMID: 20672373). This variant is not present in population databases (gnomAD no frequency). This variant has not been reported in the literature in individuals affected with ABCA12-related conditions. For these reasons, this variant has been classified as Pathogenic.

Literature cited by the submitters: PubMed 20672373.